The following is an entry in ClinVar:

ClinVar aggregate classification (germline): Uncertain significance (1 of 4 stars; one submission).

Conditions:
Mitochondrial trifunctional protein deficiency. Identifiers: Orphanet 746, MedGen C1969443, MONDO:0012172.

gnomAD v4.1: 1 of 1,607,138 alleles (0.000062%); highest among the groups gnomAD compares: Non-Finnish European, 0.000085%; no homozygotes.

Submission:

Labcorp Genetics (formerly Invitae), Labcorp
Classification: Uncertain significance for Mitochondrial trifunctional protein deficiency. Last evaluated: 2024-12-07. Review status: criteria provided, single submitter. Criteria: Invitae Variant Classification Sherloc (09022015). Collection method: clinical testing. Allele origin: germline.
Comment: This sequence change replaces alanine, which is neutral and non-polar, with valine, which is neutral and non-polar, at codon 466 of the HADHB protein (p.Ala466Val). This variant is not present in population databases (gnomAD no frequency). This variant has not been reported in the literature in individuals affected with HADHB-related conditions. Invitae Evidence Modeling of protein sequence and biophysical properties (such as structural, functional, and spatial information, amino acid conservation, physicochemical variation, residue mobility, and thermodynamic stability) indicates that this missense variant is not expected to disrupt HADHB protein function with a negative predictive value of 80%. In summary, the available evidence is currently insufficient to determine the role of this variant in disease. Therefore, it has been classified as a Variant of Uncertain Significance.

NM_000183.3(HADHB):c.1397C>T (p.Ala466Val)

Gene: HADHB (hydroxyacyl-CoA dehydrogenase trifunctional multienzyme complex subunit beta; plus strand). Cytogenetic location: 2p23.3.
Variant type: single nucleotide variant.
Coding change: c.1397C>T on transcript NM_000183.3 (MANE Select); coding-DNA position 1397, C replaced by T.
Protein change: p.Ala466Val; replaces alanine 466 with valine.
Molecular consequence: missense variant.
Genome position (GRCh38, 1-based): chr2:26,289,925, C>T. VCF-style: chr2-26289925-C-T. GRCh37 (hg19) VCF-style: chr2-26512793-C-T.
Other names: c.1352C>T, p.Ala451Val (NM_001281512.2); c.1331C>T, p.Ala444Val (NM_001281513.2); short protein forms A444V, A451V, A466V.
Identifiers: ClinVar variation 3706532 (VCV003706532.2).
Genomic context (GRCh38, chr2:26,289,925, plus strand): 5'-TAGGTGGATTCATCACCATTCATTGCTCTAATTGGACTTTGTTTTCTTTACAGGGCCATG[C>T]TATGATAGTGGAAGCTTATCCAAAATAATAGATCCAGAAGAAGTGACCTGAAGTTTCTGT-3'
Protein context (NP_000174.1, residues 456-474): AACAAGGQGH[Ala466Val]MIVEAYPK